The following is an entry in ClinVar:

ClinVar aggregate classification (germline): Pathogenic (1 of 4 stars; one submission).

Conditions:
Familial thoracic aortic aneurysm and aortic dissection (TAAD). Also called: Thoracic aortic aneurysms and dissections. Identifiers: Orphanet 91387, MedGen C4707243, MONDO:0019625.
Marfan syndrome (MFS). Also called: FBN1-Related Marfan Syndrome; Marfan syndrome type 1; Marfan's syndrome; Marfan syndrome, classic; MARFAN SYNDROME, TYPE I. Identifiers: Orphanet 284963, Orphanet 558, MedGen C0024796, MONDO:0007947, OMIM 154700.

Submission:

Labcorp Genetics (formerly Invitae), Labcorp
Classification: Pathogenic for Marfan syndrome; Thoracic aortic aneurysm and aortic dissection. Last evaluated: 2018-06-12. Review status: criteria provided, single submitter. Criteria: Invitae Variant Classification Sherloc (09022015). Collection method: clinical testing. Allele origin: germline.
Comment: This sequence change creates a premature translational stop signal (p.Cys1208*) in the FBN1 gene. It is expected to result in an absent or disrupted protein product. This variant is not present in population databases (ExAC no frequency). This variant has not been reported in the literature in individuals with FBN1-related disease. Loss-of-function variants in FBN1 are known to be pathogenic (PMID: 17657824, 19293843). For these reasons, this variant has been classified as Pathogenic.

NM_000138.5(FBN1):c.3624T>A (p.Cys1208Ter)

Gene: FBN1 (fibrillin 1; minus strand). Cytogenetic location: 15q21.1.
Variant type: single nucleotide variant.
Coding change: c.3624T>A on transcript NM_000138.5 (MANE Select); coding-DNA position 3624, T replaced by A.
Protein change: p.Cys1208Ter; replaces cysteine 1208 with a stop codon.
Molecular consequence: nonsense.
Genome position (GRCh38, 1-based): chr15:48,485,462, A>T on the plus strand (T>A on the coding strand, the complement: FBN1 is on the minus strand). VCF-style: chr15-48485462-A-T. GRCh37 (hg19) VCF-style: chr15-48777659-A-T.
Other names: short protein forms C1208*.
Identifiers: ClinVar variation 579992 (VCV000579992.1), dbSNP rs765842423, ClinGen allele CA392324599.